The following is an entry in ClinVar:

NM_001291415.2(KDM6A):c.3614G>A (p.Cys1205Tyr)

Gene: KDM6A (lysine demethylase 6A; plus strand). Cytogenetic location: Xp11.3.
Variant type: single nucleotide variant.
Coding change: c.3614G>A on transcript NM_001291415.2 (MANE Select); coding-DNA position 3614, G replaced by A.
Protein change: p.Cys1205Tyr; replaces cysteine 1205 with tyrosine.
Molecular consequence: missense variant. On other transcripts: non-coding transcript variant (1).
Genome position (GRCh38, 1-based): chrX:45,085,889, G>A. VCF-style: chrX-45085889-G-A. GRCh37 (hg19) VCF-style: chrX-44945134-G-A.
Other names: c.3479G>A, p.Cys1160Tyr (NM_001291416.2); c.3323G>A, p.Cys1108Tyr (NM_001291417.2); c.3221G>A, p.Cys1074Tyr (NM_001291418.2); c.2570G>A, p.Cys857Tyr (NM_001291421.2); c.3458G>A, p.Cys1153Tyr (NM_021140.4); short protein forms C1205Y, C1153Y, C857Y, C1074Y, C1108Y, C1160Y.
Identifiers: ClinVar variation 545087 (VCV000545087.10), dbSNP rs1556350571, ClinGen allele CA412804999.

ClinVar aggregate classification (germline): Likely pathogenic. Review status: criteria provided, single submitter (1 of 4 stars). 2 submissions from 2 submitters: Likely pathogenic (1). 1 of the submissions does not count toward it. Last evaluated 2019-06-21.

Conditions:
Kabuki syndrome 2 (KABUK2). Also called: KDM6A-Related Kabuki Syndrome. Identifiers: Orphanet 2322, MedGen C3275495, MONDO:0010465, OMIM 300867.

Submissions (2):

Labcorp Genetics (formerly Invitae), Labcorp
Classification: Likely pathogenic for Kabuki syndrome 2. Last evaluated: 2019-06-21. Review status: criteria provided, single submitter. Criteria: Invitae Variant Classification Sherloc (09022015). Collection method: clinical testing. Allele origin: germline.
Comment: In summary, the currently available evidence indicates that the variant is pathogenic, but additional data are needed to prove that conclusively. Therefore, this variant has been classified as Likely Pathogenic. Algorithms developed to predict the effect of missense changes on protein structure and function (SIFT, PolyPhen-2, Align-GVGD) all suggest that this variant is likely to be disruptive, but these predictions have not been confirmed by published functional studies and their clinical significance is uncertain. This variant is not present in population databases (ExAC no frequency). This sequence change replaces cysteine with tyrosine at codon 1153 of the KDM6A protein (p.Cys1153Tyr). The cysteine residue is highly conserved and there is a large physicochemical difference between cysteine and tyrosine.

Laboratory of Molecular Genetics (Pr. Bezieau's lab), CHU de Nantes
Classification: Pathogenic. Last evaluated: 2017-08-14. Review status: no assertion criteria provided. Collection method: clinical testing. Allele origin: germline. Affected: yes. Not counted in ClinVar's aggregate classification.